The following is an entry in ClinVar:

ClinVar aggregate classification (germline): Uncertain significance (1 of 4 stars; one submission).

Conditions:
Primary ciliary dyskinesia 29. Also called: CILIARY DYSKINESIA, PRIMARY, 29, WITHOUT SITUS INVERSUS. Identifiers: Orphanet 244, MedGen C4014534, MONDO:0014378, OMIM 615872.

Allele frequency attached by ClinVar (database versions not stated): gnomAD exomes 0.00001.

Submission:

Baylor Genetics
Classification: Uncertain significance for Primary ciliary dyskinesia 29. Last evaluated: 2018-08-17. Review status: criteria provided, single submitter. Criteria: ACMG Guidelines, 2015. Collection method: clinical testing. Allele origin: unknown. Affected: yes.
Comment: This variant was determined to be of uncertain significance according to ACMG Guidelines, 2015 [PMID:25741868].

NM_021147.5(CCNO):c.368C>T (p.Ala123Val)

Gene: CCNO (cyclin O; minus strand). Cytogenetic location: 5q11.2.
Variant type: single nucleotide variant.
Coding change: c.368C>T on transcript NM_021147.5 (MANE Select); coding-DNA position 368, C replaced by T.
Protein change: p.Ala123Val; replaces alanine 123 with valine.
Molecular consequence: missense variant. On other transcripts: non-coding transcript variant (2).
Genome position (GRCh38, 1-based): chr5:55,233,156, G>A on the plus strand (C>T on the coding strand, the complement: CCNO is on the minus strand). VCF-style: chr5-55233156-G-A. GRCh37 (hg19) VCF-style: chr5-54528984-G-A.
Other names: short protein forms A123V.
Identifiers: ClinVar variation 1032118 (VCV001032118.1), dbSNP rs1217893462, ClinGen allele CA359723916.